The following is an entry in ClinVar:

NM_032444.4(SLX4):c.1470C>T (p.Leu490=)

Gene: SLX4 (SLX4 structure-specific endonuclease subunit; minus strand). Cytogenetic location: 16p13.3.
Variant type: single nucleotide variant.
Coding change: c.1470C>T on transcript NM_032444.4 (MANE Select); coding-DNA position 1470, C replaced by T.
Protein change: p.Leu490=; no amino-acid change (leucine 490 retained).
Molecular consequence: synonymous variant.
Genome position (GRCh38, 1-based): chr16:3,597,592, G>A on the plus strand (C>T on the coding strand, the complement: SLX4 is on the minus strand). VCF-style: chr16-3597592-G-A. GRCh37 (hg19) VCF-style: chr16-3647593-G-A.
Other names: c.1470C>T (LRG_503t1, NM_032444.3).
Identifiers: ClinVar variation 414724 (VCV000414724.39), dbSNP rs139766312, ClinGen allele CA7866508.
Genomic context (GRCh38, chr16:3,597,592, plus strand): 5'-CTTTAAAATCCTGCTGGCAGGAAGTGGTGGCGTGCTAGACAATTCCACTTCCTCAGAGAG[G>A]AGCAGGGCCACACGGTCCTCTATCTGTCGGCCTGTGGTTTCAGAGTCCTGGACTAACAAC-3'
Protein context (NP_115820.2, residues 480-500): GRQIEDRVAL[Leu490=]LSEEVELSST

ClinVar aggregate classification (germline): Likely benign. Review status: criteria provided, multiple submitters, no conflicts (2 of 4 stars). 6 submissions from 6 submitters: Likely benign (5). 1 of the submissions does not count toward it. Last evaluated 2025-12-15.

Conditions:
SLX4-related disorder. Also called: SLX4-related condition.
Fanconi anemia complementation group P. Also called: SLX4-Related Fanconi Anemia. Identifiers: Orphanet 84, MedGen C3469542, MONDO:0013499, OMIM 613951.
Fanconi anemia (FA). Also called: Fanconi's anemia. Identifiers: Orphanet 84, MedGen C0015625, MeSH D005199, MONDO:0019391.

Allele frequency attached by ClinVar (database versions not stated): gnomAD exomes 0.00006 and 0.00013; ExAC 0.00019; gnomAD 0.00031; TOPMed 0.00035; ESP Exome Variant Server 0.00054; 1000 Genomes Project 30x 0.00078; 1000 Genomes Project 0.00080.
gnomAD v4.1: 145 of 1,614,140 alleles (0.009%); highest among the groups gnomAD compares: African/African-American, 0.092%; no homozygotes.

Submissions (6):

Labcorp Genetics (formerly Invitae), Labcorp
Classification: Likely benign for Fanconi anemia. Last evaluated: 2025-12-15. Review status: criteria provided, single submitter. Criteria: Invitae Variant Classification Sherloc (09022015). Collection method: clinical testing. Allele origin: germline.

Blueprint Genetics
Classification: Likely benign. Last evaluated: 2024-10-23. Review status: criteria provided, single submitter. Criteria: ACMG Guidelines, 2015. Collection method: clinical testing. Allele origin: germline.

CeGaT Center for Human Genetics Tuebingen
Classification: Likely benign. Last evaluated: 2023-08-01. Review status: criteria provided, single submitter. Criteria: CeGaT Center For Human Genetics Tuebingen Variant Classification Criteria Version 2. Collection method: clinical testing. Allele origin: germline. Affected: yes. Observed: 1 variant allele.
Comment: SLX4: BP4, BP7

KCCC/NGS Laboratory, Kuwait Cancer Control Center
Classification: Likely benign for Fanconi anemia complementation group P. Last evaluated: 2023-07-07. Review status: criteria provided, single submitter. Criteria: ACMG Guidelines, 2015. Collection method: clinical testing. Allele origin: germline. Affected: yes.

Sema4
Classification: Likely benign for Fanconi anemia. Last evaluated: 2020-12-15. Review status: criteria provided, single submitter. Criteria: Sema4 Curation Guidelines. Collection method: curation. Allele origin: germline.

PreventionGenetics, part of Exact Sciences
Classification: Likely benign for SLX4-related condition. Last evaluated: 2024-08-02. Review status: no assertion criteria provided. Collection method: clinical testing. Allele origin: germline. Not counted in ClinVar's aggregate classification.
Comment: This variant is classified as likely benign based on ACMG/AMP sequence variant interpretation guidelines (Richards et al. 2015 PMID: 25741868, with internal and published modifications).